The following is an entry in ClinVar:

ClinVar aggregate classification (germline): Benign/Likely benign. Review status: criteria provided, single submitter (1 of 4 stars). 2 submissions from 1 submitter: Benign (1); Likely benign (1). Last evaluated 2018-01-12.

Conditions:
Dilated cardiomyopathy 1V (CMD1V). Identifiers: Orphanet 154, MedGen C3150958, MONDO:0013373, OMIM 613697.
Alzheimer disease 4 (AD4). Identifiers: Orphanet 1020, MedGen C1847200, MONDO:0011743, OMIM 606889.

Allele frequency attached by ClinVar (database versions not stated): 1000 Genomes Project 0.00799; 1000 Genomes Project 30x 0.00890; TOPMed 0.01202; gnomAD 0.01294 and 0.01304; gnomAD exomes 0.01891.
gnomAD v4.1: 2,864 of 198,914 alleles (1.4%); highest among the groups gnomAD compares: Middle Eastern, 3.1%; 33 homozygotes.

Submissions (2):

Illumina Laboratory Services, Illumina
Classification: Benign for Alzheimer disease 4. Last evaluated: 2018-01-12. Review status: criteria provided, single submitter. Criteria: ICSL Variant Classification Criteria 13 December 2019. Collection method: clinical testing. Allele origin: germline.
Comment: This variant was observed in the ICSL laboratory as part of a predisposition screen in an ostensibly healthy population. It had not been previously curated by ICSL or reported in the Human Gene Mutation Database (HGMD: prior to June 1st, 2018), and was therefore a candidate for classification through an automated scoring system. Utilizing variant allele frequency, disease prevalence and penetrance estimates, and inheritance mode, an automated score was calculated to assess if this variant is too frequent to cause the disease. Based on the score and internal cut-off values, a variant classified as benign is not then subjected to further curation. The score for this variant resulted in a classification of benign for this disease.

Illumina Laboratory Services, Illumina
Classification: Likely benign for Dilated cardiomyopathy 1V. Last evaluated: 2018-01-12. Review status: criteria provided, single submitter. Criteria: ICSL Variant Classification Criteria 13 December 2019. Collection method: clinical testing. Allele origin: germline.
Comment: This variant was observed in the ICSL laboratory as part of a predisposition screen in an ostensibly healthy population. It had not been previously curated by ICSL or reported in the Human Gene Mutation Database (HGMD: prior to June 1st, 2018), and was therefore a candidate for classification through an automated scoring system. Utilizing variant allele frequency, disease prevalence and penetrance estimates, and inheritance mode, an automated score was calculated to assess if this variant is too frequent to cause the disease. Based on the score and internal cut-off values, a variant classified as likely benign is not then subjected to further curation. The score for this variant resulted in a classification of likely benign for this disease.

NM_000447.3(PSEN2):c.*487G>C

Gene: PSEN2 (presenilin 2; plus strand). Cytogenetic location: 1q42.13.
Variant type: single nucleotide variant.
Coding change: c.*487G>C on transcript NM_000447.3 (MANE Select); 487 bases downstream of the stop codon, G replaced by C.
Molecular consequence: 3 prime UTR variant.
Genome position (GRCh38, 1-based): chr1:226,896,066, G>C. VCF-style: chr1-226896066-G-C. GRCh37 (hg19) VCF-style: chr1-227083767-G-C.
Other names: c.*487G>C (NM_012486.3).
Identifiers: ClinVar variation 296005 (VCV000296005.5), dbSNP rs7962, ClinGen allele CA10610180.